The following is an entry in ClinVar:

NM_004716.4(PCSK7):c.1779G>A (p.Arg593=)

Gene: PCSK7 (proprotein convertase subtilisin/kexin type 7; minus strand). Cytogenetic location: 11q23.3.
Variant type: single nucleotide variant.
Coding change: c.1779G>A on transcript NM_004716.4 (MANE Select); coding-DNA position 1779, G replaced by A.
Protein change: p.Arg593=; no amino-acid change (arginine 593 retained).
Molecular consequence: synonymous variant.
Genome position (GRCh38, 1-based): chr11:117,207,977, C>T on the plus strand (G>A on the coding strand, the complement: PCSK7 is on the minus strand). VCF-style: chr11-117207977-C-T. GRCh37 (hg19) VCF-style: chr11-117078693-C-T.
Identifiers: ClinVar variation 3388165 (VCV003388165.14).
Genomic context (GRCh38, chr11:117,207,977, plus strand): 5'-GACCAGATAACAAGCAGGAAAGGTAGGGCCTGGTGTGAGGGCACGAGACTCACCGACATC[C>T]CTGATGACAAGCCTGTAGGTCCCTCGGGCTCTCTCCCCCCAGCATCGCACAGTGGAGAAG-3'
Protein context (NP_004707.2, residues 583-603): RARGTYRLVI[Arg593=]DVGDESFQVG

ClinVar aggregate classification (germline): Likely benign (1 of 4 stars; one submission).

Submission:

CeGaT Center for Human Genetics Tuebingen
Classification: Likely benign. Last evaluated: 2025-08-01. Review status: criteria provided, single submitter. Criteria: CeGaT Center For Human Genetics Tuebingen Variant Classification Criteria Version 2. Collection method: clinical testing. Allele origin: germline. Affected: yes. Observed: 2 variant alleles.
Comment: PCSK7: BP4, BP7